The following is an entry in ClinVar:

NM_001130438.3(SPTAN1):c.5594C>A (p.Ala1865Asp)

Gene: SPTAN1 (spectrin alpha, non-erythrocytic 1; plus strand). Cytogenetic location: 9q34.11.
Variant type: single nucleotide variant.
Coding change: c.5594C>A on transcript NM_001130438.3 (MANE Select); coding-DNA position 5594, C replaced by A.
Protein change: p.Ala1865Asp; replaces alanine 1865 with aspartic acid.
Molecular consequence: missense variant.
Genome position (GRCh38, 1-based): chr9:128,618,102, C>A. VCF-style: chr9-128618102-C-A. GRCh37 (hg19) VCF-style: chr9-131380381-C-A.
Other names: c.5519C>A, p.Ala1840Asp (NM_001195532.2); c.5594C>A, p.Ala1865Asp (NM_001363759.2); c.5534C>A, p.Ala1845Asp (NM_001363765.2); c.5579C>A, p.Ala1860Asp (NM_003127.4); short protein forms A1840D, A1860D, A1865D, A1845D.
Identifiers: ClinVar variation 661303 (VCV000661303.9), dbSNP rs1589354582, ClinGen allele CA375077438.

ClinVar aggregate classification (germline): Uncertain significance (1 of 4 stars; one submission).

Conditions:
Early-infantile DEE. Also called: Early infantile epileptic encephalopathy; Ohtahara syndrome; Early infantile epileptic encephalopathy with suppression bursts. Identifiers: Orphanet 1934, MedGen C0393706, MONDO:0800491.

Submission:

Labcorp Genetics (formerly Invitae), Labcorp
Classification: Uncertain significance for Early-infantile DEE. Last evaluated: 2018-11-27. Review status: criteria provided, single submitter. Criteria: Invitae Variant Classification Sherloc (09022015). Collection method: clinical testing. Allele origin: germline.
Comment: Algorithms developed to predict the effect of missense changes on protein structure and function are either unavailable or do not agree on the potential impact of this missense change (SIFT: "Deleterious"; PolyPhen-2: "Benign"; Align-GVGD: "Class C0"). In summary, the available evidence is currently insufficient to determine the role of this variant in disease. Therefore, it has been classified as a Variant of Uncertain Significance. This variant has not been reported in the literature in individuals with SPTAN1-related conditions. This variant is not present in population databases (ExAC no frequency). This sequence change replaces alanine with aspartic acid at codon 1865 of the SPTAN1 protein (p.Ala1865Asp). The alanine residue is moderately conserved and there is a moderate physicochemical difference between alanine and aspartic acid.